The following is an entry in ClinVar:

NM_032273.4(TMEM126A):c.87-14T>A

Gene: TMEM126A (transmembrane protein 126A; plus strand). Cytogenetic location: 11q14.1.
Variant type: single nucleotide variant.
Coding change: c.87-14T>A on transcript NM_032273.4 (MANE Select); 14 bases into the intron before coding-DNA position 87, T replaced by A.
Molecular consequence: intron variant.
Genome position (GRCh38, 1-based): chr11:85,654,049, T>A. VCF-style: chr11-85654049-T-A. GRCh37 (hg19) VCF-style: chr11-85365093-T-A.
Other names: c.-124-14T>A (NM_001244735.2).
Identifiers: ClinVar variation 1913440 (VCV001913440.3), dbSNP rs576848384, ClinGen allele CA6212696.

ClinVar aggregate classification (germline): Uncertain significance (1 of 4 stars; one submission).

Allele frequency attached by ClinVar (database versions not stated): ExAC 0.00001; gnomAD 0.00001.
gnomAD v4.1: 16 of 1,614,020 alleles (0.00099%); highest among the groups gnomAD compares: Admixed American, 0.0017%; no homozygotes.

Submission:

Labcorp Genetics (formerly Invitae), Labcorp
Classification: Uncertain significance. Last evaluated: 2025-05-27. Review status: criteria provided, single submitter. Criteria: Invitae Variant Classification Sherloc (09022015). Collection method: clinical testing. Allele origin: germline.
Comment: This sequence change falls in intron 2 of the TMEM126A gene. It does not directly change the encoded amino acid sequence of the TMEM126A protein. This variant is present in population databases (rs576848384, gnomAD 0.002%). This variant has not been reported in the literature in individuals affected with TMEM126A-related conditions. ClinVar contains an entry for this variant (Variation ID: 1913440). Algorithms developed to predict the effect of sequence changes on RNA splicing suggest that this variant may disrupt the consensus splice site. In summary, the available evidence is currently insufficient to determine the role of this variant in disease. Therefore, it has been classified as a Variant of Uncertain Significance.